The following is an entry in ClinVar:

ClinVar aggregate classification (germline): Uncertain significance. Review status: criteria provided, multiple submitters, no conflicts (2 of 4 stars). 3 submissions from 3 submitters: Uncertain significance (2). 1 of the submissions does not count toward it. Last evaluated 2024-06-03.

Conditions:
Autosomal recessive polycystic kidney disease (ARPKD). Also called: AR polycystic kidney disease. Identifiers: Orphanet 731, Orphanet 8378, MedGen C0085548, MeSH D017044, MONDO:0009889.
Polycystic kidney disease 4 (PKD4). Also called: POLYCYSTIC KIDNEY AND HEPATIC DISEASE 1; POLYCYSTIC KIDNEY DISEASE, INFANTILE, TYPE I; POLYCYSTIC KIDNEY DISEASE 4 WITH OR WITHOUT POLYCYSTIC LIVER DISEASE; Autosomal Recessive Polycystic Kidney Disease – PKHD1; PKD3. Identifiers: MedGen C4540575, MONDO:0033004, OMIM 263200.

Allele frequency attached by ClinVar (database versions not stated): gnomAD exomes below 0.00001; TOPMed below 0.00001.
gnomAD v4.1: 1 of 1,614,154 alleles (0.000062%); highest among the groups gnomAD compares: Non-Finnish European, 0.000085%; no homozygotes.

Submissions (3):

Fulgent Genetics
Classification: Uncertain significance for Polycystic kidney disease 4. Last evaluated: 2024-06-03. Review status: criteria provided, single submitter. Criteria: ACMG Guidelines, 2015. Collection method: clinical testing. Allele origin: germline.

Labcorp Genetics (formerly Invitae), Labcorp
Classification: Uncertain significance for Autosomal recessive polycystic kidney disease. Last evaluated: 2021-08-20. Review status: criteria provided, single submitter. Criteria: Invitae Variant Classification Sherloc (09022015). Collection method: clinical testing. Allele origin: germline.
Comment: This sequence change replaces asparagine with serine at codon 1234 of the PKHD1 protein (p.Asn1234Ser). The asparagine residue is moderately conserved and there is a small physicochemical difference between asparagine and serine. This variant is not present in population databases (ExAC no frequency). This variant has not been reported in the literature in individuals affected with PKHD1-related conditions. Algorithms developed to predict the effect of missense changes on protein structure and function output the following: SIFT: "Tolerated"; PolyPhen-2: "Benign"; Align-GVGD: "Class C0". The serine amino acid residue is found in multiple mammalian species, which suggests that this missense change does not adversely affect protein function. Algorithms developed to predict the effect of sequence changes on RNA splicing suggest that this variant may create or strengthen a splice site. In summary, the available evidence is currently insufficient to determine the role of this variant in disease. Therefore, it has been classified as a Variant of Uncertain Significance.

Natera, Inc.
Classification: Uncertain significance for Autosomal recessive polycystic kidney disease. Last evaluated: 2019-05-01. Review status: no assertion criteria provided. Collection method: clinical testing. Allele origin: germline. Not counted in ClinVar's aggregate classification.

NM_138694.4(PKHD1):c.3701A>G (p.Asn1234Ser)

Gene: PKHD1 (PKHD1 ciliary IPT domain containing fibrocystin/polyductin; minus strand). Cytogenetic location: 6p12.2.
Variant type: single nucleotide variant.
Coding change: c.3701A>G on transcript NM_138694.4 (MANE Select); coding-DNA position 3701, A replaced by G.
Protein change: p.Asn1234Ser; replaces asparagine 1234 with serine.
Molecular consequence: missense variant.
Genome position (GRCh38, 1-based): chr6:52,026,109, T>C on the plus strand (A>G on the coding strand, the complement: PKHD1 is on the minus strand). VCF-style: chr6-52026109-T-C. GRCh37 (hg19) VCF-style: chr6-51890907-T-C.
Other names: c.3701A>G, p.Asn1234Ser (NM_170724.3); short protein forms N1234S.
Identifiers: ClinVar variation 1056672 (VCV001056672.12), dbSNP rs1802145665, ClinGen allele CA364438368.